The following is an entry in ClinVar:

NM_000057.4(BLM):c.*6G>A

Gene: BLM (BLM RecQ like helicase; plus strand). Cytogenetic location: 15q26.1.
Variant type: single nucleotide variant.
Coding change: c.*6G>A on transcript NM_000057.4 (MANE Select); 6 bases downstream of the stop codon, G replaced by A.
Molecular consequence: 3 prime UTR variant.
Genome position (GRCh38, 1-based): chr15:90,815,285, G>A. VCF-style: chr15-90815285-G-A. GRCh37 (hg19) VCF-style: chr15-91358515-G-A.
Other names: c.*6G>A (NM_001287246.2, NM_001287247.2, NM_001287248.2).
Identifiers: ClinVar variation 1338040 (VCV001338040.6), dbSNP rs375331228, ClinGen allele CA7739223.

ClinVar aggregate classification (germline): Uncertain significance. Review status: criteria provided, multiple submitters, no conflicts (2 of 4 stars). 2 submissions from 2 submitters: Uncertain significance (2). Last evaluated 2025-05-28.

Allele frequency attached by ClinVar (database versions not stated): 1000 Genomes Project 30x 0.00016.
gnomAD v4.1: 38 of 1,612,620 alleles (0.0024%); highest among the groups gnomAD compares: Admixed American, 0.012%; no homozygotes.

Submissions (2):

Quest Diagnostics Nichols Institute San Juan Capistrano
Classification: Uncertain significance. Last evaluated: 2025-05-28. Review status: criteria provided, single submitter. Criteria: Quest Diagnostics criteria. Collection method: clinical testing. Allele origin: unknown.
Comment: The BLM c.*6G>A variant has not been reported in individuals with BLM-related conditions in the published literature. The frequency of this variant in the general population (Genome Aggregation Database) is uninformative in the assessment of its pathogenicity. Based on the available information, we are unable to determine the clinical significance of this variant.

Genetic Services Laboratory, University of Chicago
Classification: Uncertain significance. Last evaluated: 2021-08-09. Review status: criteria provided, single submitter. Criteria: ACMG Guidelines, 2015. Collection method: clinical testing. Allele origin: germline. Affected: no.